The following is an entry in ClinVar:

ClinVar aggregate classification (germline): Uncertain significance (1 of 4 stars; one submission).

Allele frequency attached by ClinVar (database versions not stated): TOPMed below 0.00001; gnomAD 0.00001; gnomAD exomes 0.00001.

Submission:

CeGaT Center for Human Genetics Tuebingen
Classification: Uncertain significance. Last evaluated: 2023-12-01. Review status: criteria provided, single submitter. Criteria: CeGaT Center For Human Genetics Tuebingen Variant Classification Criteria Version 2. Collection method: clinical testing. Allele origin: germline. Affected: yes. Observed: 1 variant allele.
Comment: ZFHX2: PM4:Supporting

NM_033400.3(ZFHX2):c.2104_2106dup (p.Asp702_Ser703insAsp)

Genes: THTPA (thiamine triphosphatase; plus strand), ZFHX2 (zinc finger homeobox 2; minus strand). Cytogenetic location: 14q11.2.
Variant type: Duplication.
Coding change: c.2104_2106dup on transcript NM_033400.3 (MANE Select); coding-DNA positions 2104 to 2106, 3 bases duplicated (GAC; older notation c.2104_2106dupGAC).
Protein change: p.Asp702_Ser703insAsp.
Molecular consequence: inframe insertion.
Genome position (GRCh38, 1-based): chr14:23,533,020-23,533,022, GTC duplicated on the plus strand (GAC on the coding strand, the reverse complement: ZFHX2 is on the minus strand). VCF-style (leftmost placement, unchanged base first): chr14-23533019-T-TGTC. GRCh37 (hg19) VCF-style: chr14-24002228-T-TGTC.
Identifiers: ClinVar variation 3026378 (VCV003026378.22), dbSNP rs1452060435, ClinGen allele CA704300222.